The following is an entry in ClinVar:

ClinVar aggregate classification (germline): Uncertain significance (1 of 4 stars; one submission).

Conditions:
Cryptosporidiosis-chronic cholangitis-liver disease syndrome. Also called: Immunodeficiency type 56; IL21R immunodeficiency. Identifiers: Orphanet 357329, MedGen C3554687, MONDO:0014082, OMIM 615207.

Allele frequency attached by ClinVar (database versions not stated): gnomAD 0.00001; 1000 Genomes Project 30x 0.00016; 1000 Genomes Project 0.00020.
gnomAD v4.1: 1 of 1,613,124 alleles (0.000062%); highest among the groups gnomAD compares: Admixed American, 0.0017%; no homozygotes.

Submission:

Labcorp Genetics (formerly Invitae), Labcorp
Classification: Uncertain significance for Cryptosporidiosis-chronic cholangitis-liver disease syndrome. Last evaluated: 2021-07-22. Review status: criteria provided, single submitter. Criteria: Invitae Variant Classification Sherloc (09022015). Collection method: clinical testing. Allele origin: germline.
Comment: In summary, the available evidence is currently insufficient to determine the role of this variant in disease. Therefore, it has been classified as a Variant of Uncertain Significance. Algorithms developed to predict the effect of missense changes on protein structure and function are either unavailable or do not agree on the potential impact of this missense change (SIFT: "Deleterious"; PolyPhen-2: "Probably Damaging"; Align-GVGD: "Class C15"). This variant has not been reported in the literature in individuals affected with IL21R-related conditions. This variant is not present in population databases (ExAC no frequency). This sequence change replaces aspartic acid with tyrosine at codon 397 of the IL21R protein (p.Asp397Tyr). The aspartic acid residue is highly conserved and there is a large physicochemical difference between aspartic acid and tyrosine.

NM_181078.3(IL21R):c.1189G>T (p.Asp397Tyr)

Genes: IL21R (interleukin 21 receptor; plus strand), IL21R-AS1 (IL21R antisense RNA 1; minus strand). Cytogenetic location: 16p12.1.
Variant type: single nucleotide variant.
Coding change: c.1189G>T on transcript NM_181078.3 (MANE Select); coding-DNA position 1189, G replaced by T.
Protein change: p.Asp397Tyr; replaces aspartic acid 397 with tyrosine.
Molecular consequence: missense variant. On other transcripts: non-coding transcript variant (1).
Genome position (GRCh38, 1-based): chr16:27,448,855, G>T. VCF-style: chr16-27448855-G-T. GRCh37 (hg19) VCF-style: chr16-27460176-G-T.
Other names: c.1189G>T, p.Asp397Tyr (NM_021798.4); c.1255G>T, p.Asp419Tyr (NM_181079.5); short protein forms D397Y, D419Y.
Identifiers: ClinVar variation 1477954 (VCV001477954.10), dbSNP rs539289321, ClinGen allele CA279702081.